The following is an entry in ClinVar:

NM_024741.3(ZNF408):c.1888C>T (p.Arg630Trp)

Gene: ZNF408 (zinc finger protein 408; plus strand). Cytogenetic location: 11p11.2.
Variant type: single nucleotide variant.
Coding change: c.1888C>T on transcript NM_024741.3 (MANE Select); coding-DNA position 1888, C replaced by T.
Protein change: p.Arg630Trp; replaces arginine 630 with tryptophan.
Molecular consequence: missense variant.
Genome position (GRCh38, 1-based): chr11:46,705,588, C>T. VCF-style: chr11-46705588-C-T. GRCh37 (hg19) VCF-style: chr11-46727138-C-T.
Other names: c.1864C>T, p.Arg622Trp (NM_001184751.2); short protein forms R622W, R630W.
Identifiers: ClinVar variation 854111 (VCV000854111.9), dbSNP rs745529105, ClinGen allele CA5966661.

ClinVar aggregate classification (germline): Uncertain significance. Review status: criteria provided, multiple submitters, no conflicts (2 of 4 stars). 2 submissions from 2 submitters: Uncertain significance (2). Last evaluated 2024-10-25.

Conditions:
Inborn genetic diseases. Identifiers: MedGen C0950123, MeSH D030342.

Allele frequency attached by ClinVar (database versions not stated): gnomAD 0.00005 and 0.00006; TOPMed 0.00007.
gnomAD v4.1: 23 of 1,608,408 alleles (0.0014%); highest among the groups gnomAD compares: Middle Eastern, 0.016%; no homozygotes.

Submissions (2):

Labcorp Genetics (formerly Invitae), Labcorp
Classification: Uncertain significance. Last evaluated: 2024-10-25. Review status: criteria provided, single submitter. Criteria: Invitae Variant Classification Sherloc (09022015). Collection method: clinical testing. Allele origin: germline.
Comment: This sequence change replaces arginine, which is basic and polar, with tryptophan, which is neutral and slightly polar, at codon 630 of the ZNF408 protein (p.Arg630Trp). The frequency data for this variant in the population databases is considered unreliable, as metrics indicate poor data quality at this position in the gnomAD database. This variant has not been reported in the literature in individuals affected with ZNF408-related conditions. ClinVar contains an entry for this variant (Variation ID: 854111). An algorithm developed to predict the effect of missense changes on protein structure and function (PolyPhen-2) suggests that this variant is likely to be tolerated. In summary, the available evidence is currently insufficient to determine the role of this variant in disease. Therefore, it has been classified as a Variant of Uncertain Significance.

Ambry Genetics
Classification: Uncertain significance for Inborn genetic diseases. Last evaluated: 2023-06-06. Review status: criteria provided, single submitter. Criteria: Ambry Variant Classification Scheme 2023. Collection method: clinical testing. Allele origin: germline.